The following is an entry in ClinVar:

ClinVar aggregate classification (germline): Uncertain significance (1 of 4 stars; one submission).

Conditions:
Holoprosencephaly 5 (HPE5). Identifiers: Orphanet 2162, MedGen C1864827, MONDO:0012322, OMIM 609637.

Submission:

Labcorp Genetics (formerly Invitae), Labcorp
Classification: Uncertain significance for Holoprosencephaly 5. Last evaluated: 2025-03-11. Review status: criteria provided, single submitter. Criteria: Invitae Variant Classification Sherloc (09022015). Collection method: clinical testing. Allele origin: germline.
Comment: This sequence change replaces alanine, which is neutral and non-polar, with glycine, which is neutral and non-polar, at codon 18 of the ZIC2 protein (p.Ala18Gly). This variant is not present in population databases (gnomAD no frequency). This variant has not been reported in the literature in individuals affected with ZIC2-related conditions. An algorithm developed to predict the effect of missense changes on protein structure and function (PolyPhen-2) suggests that this variant is likely to be disruptive. In summary, the available evidence is currently insufficient to determine the role of this variant in disease. Therefore, it has been classified as a Variant of Uncertain Significance.

NM_007129.5(ZIC2):c.53C>G (p.Ala18Gly)

Gene: ZIC2 (Zic family zinc finger 2; plus strand). Cytogenetic location: 13q32.3.
Variant type: single nucleotide variant.
Coding change: c.53C>G on transcript NM_007129.5 (MANE Select); coding-DNA position 53, C replaced by G.
Protein change: p.Ala18Gly; replaces alanine 18 with glycine.
Molecular consequence: missense variant.
Genome position (GRCh38, 1-based): chr13:99,982,117, C>G. VCF-style: chr13-99982117-C-G. GRCh37 (hg19) VCF-style: chr13-100634371-C-G.
Other names: short protein forms A18G.
Identifiers: ClinVar variation 4697587 (VCV004697587.1).
Genomic context (GRCh38, chr13:99,982,117, plus strand): 5'-CGCTGGCCATGCTCCTGGACGCGGGTCCGCAGTTCCCGGCCATCGGGGTGGGCAGCTTCG[C>G]GCGCCACCATCACCACTCCGCCGCGGCGGCGGCGGCGGCTGCCGCCGAGATGCAGGACCG-3'
Protein context (NP_009060.2, residues 8-28): QFPAIGVGSF[Ala18Gly]RHHHHSAAAA